The following is an entry in ClinVar:

ClinVar aggregate classification (germline): Uncertain significance. Review status: criteria provided, multiple submitters, no conflicts (2 of 4 stars). 2 submissions from 2 submitters: Uncertain significance (2). Last evaluated 2025-09-10.

Conditions:
Inborn genetic diseases. Identifiers: MedGen C0950123, MeSH D030342.

Allele frequency attached by ClinVar (database versions not stated): ExAC 0.00003.
gnomAD v4.1: 30 of 1,516,142 alleles (0.002%); highest among the groups gnomAD compares: East Asian, 0.036%; no homozygotes.

Submissions (2):

Ambry Genetics
Classification: Uncertain significance for Inborn genetic diseases. Last evaluated: 2025-09-10. Review status: criteria provided, single submitter. Criteria: Ambry Variant Classification Scheme 2023. Collection method: clinical testing. Allele origin: germline.

Labcorp Genetics (formerly Invitae), Labcorp
Classification: Uncertain significance. Last evaluated: 2022-11-01. Review status: criteria provided, single submitter. Criteria: Invitae Variant Classification Sherloc (09022015). Collection method: clinical testing. Allele origin: germline.
Comment: In summary, the available evidence is currently insufficient to determine the role of this variant in disease. Therefore, it has been classified as a Variant of Uncertain Significance. Algorithms developed to predict the effect of missense changes on protein structure and function are either unavailable or do not agree on the potential impact of this missense change (SIFT: "Not Available"; PolyPhen-2: "Possibly Damaging"; Align-GVGD: "Not Available"). This variant has not been reported in the literature in individuals affected with TOP3A-related conditions. This variant is present in population databases (rs751280980, gnomAD 0.05%). This sequence change replaces proline, which is neutral and non-polar, with leucine, which is neutral and non-polar, at codon 727 of the TOP3A protein (p.Pro727Leu).

NM_004618.5(TOP3A):c.2180C>T (p.Pro727Leu)

Gene: TOP3A (DNA topoisomerase III alpha; minus strand). Cytogenetic location: 17p11.2.
Variant type: single nucleotide variant.
Coding change: c.2180C>T on transcript NM_004618.5 (MANE Select); coding-DNA position 2180, C replaced by T.
Protein change: p.Pro727Leu; replaces proline 727 with leucine.
Molecular consequence: missense variant.
Genome position (GRCh38, 1-based): chr17:18,278,322, G>A on the plus strand (C>T on the coding strand, the complement: TOP3A is on the minus strand). VCF-style: chr17-18278322-G-A. GRCh37 (hg19) VCF-style: chr17-18181636-G-A.
Other names: c.1895C>T, p.Pro632Leu (NM_001320759.2); c.2180C>T (NM_004618.3); short protein forms P632L, P727L.
Identifiers: ClinVar variation 2077506 (VCV002077506.5), dbSNP rs751280980, ClinGen allele CA8429666.